The following is an entry in ClinVar:

NM_000108.5(DLD):c.866T>C (p.Ile289Thr)

Gene: DLD (dihydrolipoamide dehydrogenase; plus strand). Cytogenetic location: 7q31.1.
Variant type: single nucleotide variant.
Coding change: c.866T>C on transcript NM_000108.5 (MANE Select); coding-DNA position 866, T replaced by C.
Protein change: p.Ile289Thr; replaces isoleucine 289 with threonine.
Molecular consequence: missense variant.
Genome position (GRCh38, 1-based): chr7:107,915,687, T>C. VCF-style: chr7-107915687-T-C. GRCh37 (hg19) VCF-style: chr7-107556132-T-C.
Other names: c.569T>C, p.Ile190Thr (NM_001289750.1); c.797T>C, p.Ile266Thr (NM_001289751.1); c.722T>C, p.Ile241Thr (NM_001289752.1); short protein forms I241T, I266T, I289T, I190T.
Identifiers: ClinVar variation 1442844 (VCV001442844.3), dbSNP rs2116264648, ClinGen allele CA368857411.

ClinVar aggregate classification (germline): Uncertain significance (1 of 4 stars; one submission).

Conditions:
Pyruvate dehydrogenase E3 deficiency (DLDD). Also called: Dihydrolipoamide Dehydrogenase E3 Deficiency; Lipoamide dehydrogenase deficiency, lactic acidosis due to; Lipoamide dehydrogenase deficiency; Dihydrolipoamide Dehydrogenase Deficiency; Dihydrolipoamide Dehydrogenase (E3) Deficiency; DLD DEFICIENCY. Identifiers: Orphanet 2394, Orphanet 765, MedGen C5574660, MONDO:0009529, OMIM 246900.

gnomAD v4.1: 1 of 1,613,478 alleles (0.000062%); highest among the groups gnomAD compares: Middle Eastern, 0.017%; no homozygotes.

Submission:

Labcorp Genetics (formerly Invitae), Labcorp
Classification: Uncertain significance for Pyruvate dehydrogenase E3 deficiency. Last evaluated: 2022-01-13. Review status: criteria provided, single submitter. Criteria: Invitae Variant Classification Sherloc (09022015). Collection method: clinical testing. Allele origin: germline.
Comment: This sequence change replaces isoleucine, which is neutral and non-polar, with threonine, which is neutral and polar, at codon 289 of the DLD protein (p.Ile289Thr). This variant is not present in population databases (gnomAD no frequency). This variant has not been reported in the literature in individuals affected with DLD-related conditions. Algorithms developed to predict the effect of missense changes on protein structure and function (SIFT, PolyPhen-2, Align-GVGD) all suggest that this variant is likely to be disruptive. In summary, the available evidence is currently insufficient to determine the role of this variant in disease. Therefore, it has been classified as a Variant of Uncertain Significance.